The following is an entry in ClinVar:

NM_006420.3(ARFGEF2):c.2686-9C>T

Gene: ARFGEF2 (ARF guanine nucleotide exchange factor 2; plus strand). Cytogenetic location: 20q13.13.
Variant type: single nucleotide variant.
Coding change: c.2686-9C>T on transcript NM_006420.3 (MANE Select); 9 bases into the intron before coding-DNA position 2686, C replaced by T.
Molecular consequence: intron variant.
Genome position (GRCh38, 1-based): chr20:48,989,547, C>T. VCF-style: chr20-48989547-C-T. GRCh37 (hg19) VCF-style: chr20-47606084-C-T.
Identifiers: ClinVar variation 128434 (VCV000128434.19), dbSNP rs200945599, ClinGen allele CA151890.

ClinVar aggregate classification (germline): Conflicting classifications of pathogenicity. Review status: criteria provided, conflicting classifications (1 of 4 stars). 5 submissions from 5 submitters: Uncertain significance (1); Benign (1); Likely benign (2). 1 of the submissions does not count toward it. Last evaluated 2025-12-01.

Conditions:
Periventricular heterotopia with microcephaly, autosomal recessive (ARPHM). Also called: Periventricular heterotopia with microcephaly; PERIVENTRICULAR NODULAR HETEROTOPIA 2. Identifiers: Orphanet 2149, MedGen C1842563, MONDO:0011966, OMIM 608097.

Allele frequency attached by ClinVar (database versions not stated): 1000 Genomes Project 30x 0.00016; 1000 Genomes Project 0.00020; gnomAD 0.00087 and 0.00092; gnomAD exomes 0.00089 and 0.00159; TOPMed 0.00113; ESP Exome Variant Server 0.00115; ExAC 0.00145.
gnomAD v4.1: 1,505 of 1,614,246 alleles (0.093%); highest among the groups gnomAD compares: Middle Eastern, 0.36%; 7 homozygotes.

Submissions (5):

Labcorp Genetics (formerly Invitae), Labcorp
Classification: Benign. Last evaluated: 2025-12-01. Review status: criteria provided, single submitter. Criteria: Invitae Variant Classification Sherloc (09022015). Collection method: clinical testing. Allele origin: germline.

ARUP Laboratories, Molecular Genetics and Genomics, ARUP Laboratories
Classification: Likely benign for Periventricular heterotopia with microcephaly, autosomal recessive. Last evaluated: 2024-10-17. Review status: criteria provided, single submitter. Criteria: ARUP Molecular Germline Variant Investigation Process 2024. Collection method: clinical testing. Allele origin: germline.

Illumina Laboratory Services, Illumina
Classification: Uncertain significance for Periventricular heterotopia with microcephaly, autosomal recessive. Last evaluated: 2018-01-12. Review status: criteria provided, single submitter. Criteria: ICSL Variant Classification Criteria 13 December 2019. Collection method: clinical testing. Allele origin: germline.

GeneDx
Classification: Likely benign. Last evaluated: 2017-09-06. Review status: criteria provided, single submitter. Criteria: GeneDx Variant Classification (06012015). Collection method: clinical testing. Allele origin: germline. Affected: yes.
Comment: This variant is considered likely benign or benign based on one or more of the following criteria: it is a conservative change, it occurs at a poorly conserved position in the protein, it is predicted to be benign by multiple in silico algorithms, and/or has population frequency not consistent with disease.

Genetic Services Laboratory, University of Chicago
Classification: Likely benign for AllHighlyPenetrant. Review status: no assertion criteria provided. Collection method: clinical testing. Allele origin: germline. Inheritance: Autosomal recessive inheritance. Not counted in ClinVar's aggregate classification.
Comment: Likely benign based on allele frequency in 1000 Genomes Project or ESP global frequency and its presence in a patient with a rare or unrelated disease phenotype. NOT Sanger confirmed.